The following is an entry in ClinVar:

ClinVar aggregate classification (germline): Uncertain significance. Review status: criteria provided, multiple submitters, no conflicts (2 of 4 stars). 2 submissions from 2 submitters: Uncertain significance (2). Last evaluated 2024-02-14.

Allele frequency attached by ClinVar (database versions not stated): TOPMed below 0.00001; gnomAD 0.00002; gnomAD exomes 0.00002.

Submissions (2):

Labcorp Genetics (formerly Invitae), Labcorp
Classification: Uncertain significance. Last evaluated: 2024-02-14. Review status: criteria provided, single submitter. Criteria: Invitae Variant Classification Sherloc (09022015). Collection method: clinical testing. Allele origin: germline.
Comment: This sequence change replaces arginine, which is basic and polar, with glutamine, which is neutral and polar, at codon 141 of the CYP11B2 protein (p.Arg141Gln). This variant is not present in population databases (gnomAD no frequency). This missense change has been observed in individual(s) with aldosterone synthase deficiency (PMID: 33098647). ClinVar contains an entry for this variant (Variation ID: 2577309). Advanced modeling of protein sequence and biophysical properties (such as structural, functional, and spatial information, amino acid conservation, physicochemical variation, residue mobility, and thermodynamic stability) performed at Invitae indicates that this missense variant is expected to disrupt CYP11B2 protein function with a positive predictive value of 95%. In summary, the available evidence is currently insufficient to determine the role of this variant in disease. Therefore, it has been classified as a Variant of Uncertain Significance.

Women's Health and Genetics/Laboratory Corporation of America, LabCorp
Classification: Uncertain significance. Last evaluated: 2023-07-14. Review status: criteria provided, single submitter. Criteria: LabCorp Variant Classification Summary - May 2015. Collection method: clinical testing. Allele origin: germline.
Comment: Variant summary: CYP11B2 c.422G>A (p.Arg141Gln) results in a conservative amino acid change in the encoded protein sequence. Four of five in-silico tools predict a damaging effect of the variant on protein function. The variant allele was found at a frequency of 4e-06 in 249906 control chromosomes. The available data on variant occurrences in the general population are insufficient to allow any conclusion about variant significance. c.422G>A has been reported in the literature in at least one compound heterozygous individual affected with suspected aldosterone synthase deficiency who underwent sequencing for CYP11B2 by selective gene amplication to trace its origin in CYP11B2 gene and not the homologous CYP11B1 gene (example: Merakou_2021). These report(s) do not provide unequivocal conclusions about association of the variant with Familial Hypoaldosteronism. To our knowledge, no experimental evidence demonstrating an impact on protein function has been reported. The following publication has been ascertained in the context of this evaluation (PMID: 33098647). No submitters have cited clinical-significance assessments for this variant to ClinVar after 2014. Based on the evidence outlined above, the variant was classified as uncertain significance.

Literature cited by the submitters: PubMed 33098647 (cited by Labcorp Genetics (formerly Invitae), Labcorp and Women's Health and Genetics/Laboratory Corporation of America, LabCorp).

NM_000498.3(CYP11B2):c.422G>A (p.Arg141Gln)

Genes: CYP11B2 (cytochrome P450 family 11 subfamily B member 2; minus strand), LOC106799834 (CYP11B2 recombination region; plus strand). Cytogenetic location: 8q24.3.
Variant type: single nucleotide variant.
Coding change: c.422G>A on transcript NM_000498.3 (MANE Select); coding-DNA position 422, G replaced by A.
Protein change: p.Arg141Gln; replaces arginine 141 with glutamine.
Molecular consequence: missense variant.
Genome position (GRCh38, 1-based): chr8:142,915,219, C>T on the plus strand (G>A on the coding strand, the complement: CYP11B2 is on the minus strand). VCF-style: chr8-142915219-C-T. GRCh37 (hg19) VCF-style: chr8-143996635-C-T.
Other names: short protein forms R141Q.
Identifiers: ClinVar variation 2577309 (VCV002577309.3), dbSNP rs776605380, ClinGen allele CA372391025.